The following is an entry in ClinVar:

NM_001184.4(ATR):c.7181A>G (p.Tyr2394Cys)

Gene: ATR (ATR checkpoint kinase; minus strand). Cytogenetic location: 3q23.
Variant type: single nucleotide variant.
Coding change: c.7181A>G on transcript NM_001184.4 (MANE Select); coding-DNA position 7181, A replaced by G.
Protein change: p.Tyr2394Cys; replaces tyrosine 2394 with cysteine.
Molecular consequence: missense variant.
Genome position (GRCh38, 1-based): chr3:142,461,951, T>C on the plus strand (A>G on the coding strand, the complement: ATR is on the minus strand). VCF-style: chr3-142461951-T-C. GRCh37 (hg19) VCF-style: chr3-142180793-T-C.
Other names: c.6989A>G, p.Tyr2330Cys (NM_001354579.2); short protein forms Y2330C, Y2394C.
Identifiers: ClinVar variation 1757546 (VCV001757546.5), dbSNP rs2108265743, ClinGen allele CA354799086.

ClinVar aggregate classification (germline): Uncertain significance. Review status: criteria provided, multiple submitters, no conflicts (2 of 4 stars). 2 submissions from 2 submitters: Uncertain significance (2). Last evaluated 2023-06-20.

Conditions:
Inborn genetic diseases. Identifiers: MedGen C0950123, MeSH D030342.

Submissions (2):

Labcorp Genetics (formerly Invitae), Labcorp
Classification: Uncertain significance. Last evaluated: 2023-06-20. Review status: criteria provided, single submitter. Criteria: Invitae Variant Classification Sherloc (09022015). Collection method: clinical testing. Allele origin: germline.
Comment: ClinVar contains an entry for this variant (Variation ID: 1757546). This sequence change replaces tyrosine, which is neutral and polar, with cysteine, which is neutral and slightly polar, at codon 2394 of the ATR protein (p.Tyr2394Cys). This variant is not present in population databases (gnomAD no frequency). This variant has not been reported in the literature in individuals affected with ATR-related conditions. An algorithm developed to predict the effect of missense changes on protein structure and function (PolyPhen-2) suggests that this variant is likely to be disruptive. In summary, the available evidence is currently insufficient to determine the role of this variant in disease. Therefore, it has been classified as a Variant of Uncertain Significance.

Ambry Genetics
Classification: Uncertain significance for Inborn genetic diseases. Last evaluated: 2022-02-22. Review status: criteria provided, single submitter. Criteria: Ambry Variant Classification Scheme 2023. Collection method: clinical testing. Allele origin: germline.
Comment: The p.Y2394C variant (also known as c.7181A>G), located in coding exon 42 of the ATR gene, results from an A to G substitution at nucleotide position 7181. The tyrosine at codon 2394 is replaced by cysteine, an amino acid with highly dissimilar properties. This amino acid position is conserved. In addition, this alteration is predicted to be deleterious by in silico analysis. Since supporting evidence is limited at this time, the clinical significance of this alteration remains unclear.